The following is an entry in ClinVar:

ClinVar aggregate classification (germline): Uncertain significance. Review status: criteria provided, multiple submitters, no conflicts (2 of 4 stars). 2 submissions from 2 submitters: Uncertain significance (2). Last evaluated 2022-12-14.

Conditions:
Familial hypocalciuric hypercalcemia (FHH). Also called: Familial benign hypercalcemia. Identifiers: Orphanet 405, MedGen C1809471, MONDO:0018458.
Autosomal dominant hypocalcemia 1 (HYPOC1). Also called: HYPOCALCEMIA, FAMILIAL. Identifiers: MedGen C3715128, MONDO:0011013, OMIM 601198.

Allele frequency attached by ClinVar (database versions not stated): gnomAD exomes below 0.00001 and 0.00001.
gnomAD v4.1: 5 of 1,614,174 alleles (0.00031%); highest among the groups gnomAD compares: Non-Finnish European, 0.00025%; no homozygotes.

Submissions (2):

Labcorp Genetics (formerly Invitae), Labcorp
Classification: Uncertain significance for Familial hypocalciuric hypercalcemia; Autosomal dominant hypocalcemia 1. Last evaluated: 2022-12-14. Review status: criteria provided, single submitter. Criteria: Invitae Variant Classification Sherloc (09022015). Collection method: clinical testing. Allele origin: germline.
Comment: Algorithms developed to predict the effect of missense changes on protein structure and function are either unavailable or do not agree on the potential impact of this missense change (SIFT: "Deleterious"; PolyPhen-2: "Possibly Damaging"; Align-GVGD: "Class C0"). This sequence change replaces glycine, which is neutral and non-polar, with aspartic acid, which is acidic and polar, at codon 1068 of the CASR protein (p.Gly1068Asp). This variant is present in population databases (no rsID available, gnomAD 0.0009%). This variant has not been reported in the literature in individuals affected with CASR-related conditions. ClinVar contains an entry for this variant (Variation ID: 576164). In summary, the available evidence is currently insufficient to determine the role of this variant in disease. Therefore, it has been classified as a Variant of Uncertain Significance.

Blueprint Genetics
Classification: Uncertain significance. Last evaluated: 2021-12-23. Review status: criteria provided, single submitter. Criteria: ACMG Guidelines, 2015. Collection method: clinical testing. Allele origin: germline.

NM_000388.4(CASR):c.3203G>A (p.Gly1068Asp)

Gene: CASR (calcium sensing receptor; plus strand). Cytogenetic location: 3q21.1.
Variant type: single nucleotide variant.
Coding change: c.3203G>A on transcript NM_000388.4 (MANE Select); coding-DNA position 3203, G replaced by A.
Protein change: p.Gly1068Asp; replaces glycine 1068 with aspartic acid.
Molecular consequence: missense variant.
Genome position (GRCh38, 1-based): chr3:122,285,157, G>A. VCF-style: chr3-122285157-G-A. GRCh37 (hg19) VCF-style: chr3-122004004-G-A.
Other names: c.3233G>A, p.Gly1078Asp (NM_001178065.2); short protein forms G1068D, G1078D.
Identifiers: ClinVar variation 576164 (VCV000576164.11), dbSNP rs1193543664, ClinGen allele CA354161772.
Genomic context (GRCh38, chr3:122,285,157, plus strand): 5'-AAGAGTTGTCCCCAGCACTTGTAGTGTCCAGTTCACAGAGCTTTGTCATCAGTGGTGGAG[G>A]CAGCACTGTTACAGAAAACGTAGTGAATTCATAAAATGGAAGGAGAAGACTGGGCTAGGG-3'
Protein context (NP_000379.3, residues 1058-1078): SSQSFVISGG[Gly1068Asp]STVTENVVNS